The following is an entry in ClinVar:

NM_022367.4(SEMA4A):c.287G>A (p.Arg96Lys)

Gene: SEMA4A (semaphorin 4A; plus strand). Cytogenetic location: 1q22.
Variant type: single nucleotide variant.
Coding change: c.287G>A on transcript NM_022367.4 (MANE Select); coding-DNA position 287, G replaced by A.
Protein change: p.Arg96Lys; replaces arginine 96 with lysine.
Molecular consequence: missense variant. On other transcripts: 5 prime UTR variant (4).
Genome position (GRCh38, 1-based): chr1:156,156,561, G>A. VCF-style: chr1-156156561-G-A. GRCh37 (hg19) VCF-style: chr1-156126352-G-A.
Other names: c.287G>A, p.Arg96Lys (NM_001193300.2, NM_001193301.2, NM_001370567.1); c.-11G>A (NM_001193302.2, NM_001370568.1); c.-238G>A (NM_001370569.1, NM_001370571.1); short protein forms R96K.
Identifiers: ClinVar variation 2818761 (VCV002818761.3), dbSNP rs759790628, ClinGen allele CA1154965.

ClinVar aggregate classification (germline): Uncertain significance (1 of 4 stars; one submission).

Allele frequency attached by ClinVar (database versions not stated): TOPMed below 0.00001; ExAC 0.00001.

Submission:

Labcorp Genetics (formerly Invitae), Labcorp
Classification: Uncertain significance. Last evaluated: 2022-12-05. Review status: criteria provided, single submitter. Criteria: Invitae Variant Classification Sherloc (09022015). Collection method: clinical testing. Allele origin: germline.
Comment: In summary, the available evidence is currently insufficient to determine the role of this variant in disease. Therefore, it has been classified as a Variant of Uncertain Significance. Advanced modeling of protein sequence and biophysical properties (such as structural, functional, and spatial information, amino acid conservation, physicochemical variation, residue mobility, and thermodynamic stability) performed at Invitae indicates that this missense variant is not expected to disrupt SEMA4A protein function. This variant has not been reported in the literature in individuals affected with SEMA4A-related conditions. This variant is not present in population databases (gnomAD no frequency). This sequence change replaces arginine, which is basic and polar, with lysine, which is basic and polar, at codon 96 of the SEMA4A protein (p.Arg96Lys).